The following is an entry in ClinVar:

NM_001844.5(COL2A1):c.1439G>A (p.Gly480Glu)

Gene: COL2A1 (collagen type II alpha 1 chain; minus strand). Cytogenetic location: 12q13.11.
Variant type: single nucleotide variant.
Coding change: c.1439G>A on transcript NM_001844.5 (MANE Select); coding-DNA position 1439, G replaced by A.
Protein change: p.Gly480Glu; replaces glycine 480 with glutamic acid.
Molecular consequence: missense variant.
Genome position (GRCh38, 1-based): chr12:47,986,424, C>T on the plus strand (G>A on the coding strand, the complement: COL2A1 is on the minus strand). VCF-style: chr12-47986424-C-T. GRCh37 (hg19) VCF-style: chr12-48380207-C-T.
Other names: c.1232G>A, p.Gly411Glu (NM_033150.3); c.1439G>A (NM_001844.4); short protein forms G411E, G480E.
Identifiers: ClinVar variation 1687501 (VCV001687501.7), dbSNP rs2136571455, ClinGen allele CA384552871.

ClinVar aggregate classification (germline): Pathogenic/Likely pathogenic. Review status: criteria provided, multiple submitters, no conflicts (2 of 4 stars). 3 submissions from 3 submitters: Pathogenic (2); Likely pathogenic (1). Last evaluated 2024-10-29.

Conditions:
Platyspondylic dysplasia, Torrance type (PLSDT). Identifiers: Orphanet 85166, MedGen C1835437, MONDO:0007895, OMIM 151210.

Submissions (3):

Labcorp Genetics (formerly Invitae), Labcorp
Classification: Pathogenic. Last evaluated: 2024-10-29. Review status: criteria provided, single submitter. Criteria: Invitae Variant Classification Sherloc (09022015). Collection method: clinical testing. Allele origin: germline.
Comment: This sequence change replaces glycine, which is neutral and non-polar, with glutamic acid, which is acidic and polar, at codon 480 of the COL2A1 protein (p.Gly480Glu). This variant is not present in population databases (gnomAD no frequency). This missense change has been observed in individual(s) with achondrogenesis (PMID: 36923788). In at least one individual the variant was observed to be de novo. ClinVar contains an entry for this variant (Variation ID: 1687501). Invitae Evidence Modeling of protein sequence and biophysical properties (such as structural, functional, and spatial information, amino acid conservation, physicochemical variation, residue mobility, and thermodynamic stability) indicates that this missense variant is expected to disrupt COL2A1 protein function with a positive predictive value of 95%. This variant disrupts the triple helix domain of COL2A1. Glycine residues within the Gly-Xaa-Yaa repeats of the triple helix domain are required for the structure and stability of fibrillar collagens (PMID: 7695699, 8218237, 19344236). In COL2A1, variants affecting these glycine residues are significantly enriched in individuals with disease (PMID: 9016532, 17078022) compared to the general population (ExAC). For these reasons, this variant has been classified as Pathogenic.

GeneDx
Classification: Pathogenic. Last evaluated: 2024-03-08. Review status: criteria provided, single submitter. Criteria: GeneDx Variant Classification Process June 2021. Collection method: clinical testing. Allele origin: germline. Affected: yes.
Comment: Occurs in the triple helical domain and replaces a glycine in a canonical Gly-X-Y repeat; missense substitution of a canonical glycine residue is expected to disrupt normal protein folding and function, and this is an established mechanism of disease (PMID: 34007986); Not observed at significant frequency in large population cohorts (gnomAD); In silico analysis supports that this missense variant has a deleterious effect on protein structure/function; This variant is associated with the following publications: (PMID: 34007986, 36923788)

3billion
Classification: Likely pathogenic for Platyspondylic dysplasia, Torrance type. Last evaluated: 2022-05-22. Review status: criteria provided, single submitter. Criteria: ACMG Guidelines, 2015. Collection method: clinical testing. Allele origin: germline. Affected: yes. Observed: 1 heterozygote.
Comment: In silico prediction tools and conservation analysis predicted that this variant was probably damaging to the protein structure/function (REVEL: 0.989>=0.6, 3CNET: 0.975>=0.75). A missense variant is a common mechanism associated with Platyspondylic skeletal dysplasia, Torrance type. It is absent from the gnomAD v2.1.1 dataset. The variant is located in a well-established functional domain or exonic hotspot, where pathogenic variants have frequently reported. Therefore, this variant is classified as likely pathogenic according to the recommendation of ACMG/AMP guideline.

Literature cited by the submitters: PubMed 36923788 (cited by Labcorp Genetics (formerly Invitae), Labcorp); PubMed 7695699 (cited by Labcorp Genetics (formerly Invitae), Labcorp); PubMed 8218237 (cited by Labcorp Genetics (formerly Invitae), Labcorp); PubMed 19344236 (cited by Labcorp Genetics (formerly Invitae), Labcorp); PubMed 9016532 (cited by Labcorp Genetics (formerly Invitae), Labcorp); PubMed 17078022 (cited by Labcorp Genetics (formerly Invitae), Labcorp).